The following is an entry in ClinVar:

ClinVar aggregate classification (germline): Uncertain significance (1 of 4 stars; one submission).

Conditions:
RASopathy. Also called: rasopathies; Noonan spectrum disorder. Identifiers: Orphanet 536391, MedGen C5555857, MONDO:0021060.

gnomAD v4.1: 4 of 1,614,018 alleles (0.00025%); highest among the groups gnomAD compares: Non-Finnish European, 0.00034%; no homozygotes.

Submission:

Labcorp Genetics (formerly Invitae), Labcorp
Classification: Uncertain significance for RASopathy. Last evaluated: 2026-01-21. Review status: criteria provided, single submitter. Criteria: Invitae Variant Classification Sherloc (09022015). Collection method: clinical testing. Allele origin: germline.
Comment: This sequence change replaces proline, which is neutral and non-polar, with threonine, which is neutral and polar, at codon 403 of the BRAF protein (p.Pro403Thr). This variant is present in population databases (no rsID available, gnomAD 0.0009%). This variant has not been reported in the literature in individuals affected with BRAF-related conditions. Invitae Evidence Modeling of protein sequence and biophysical properties (such as structural, functional, and spatial information, amino acid conservation, physicochemical variation, residue mobility, and thermodynamic stability) indicates that this missense variant is not expected to disrupt BRAF protein function with a negative predictive value of 80%. In summary, the available evidence is currently insufficient to determine the role of this variant in disease. Therefore, it has been classified as a Variant of Uncertain Significance.

NM_004333.6(BRAF):c.1207C>A (p.Pro403Thr)

Gene: BRAF (B-Raf proto-oncogene, serine/threonine kinase; minus strand). Cytogenetic location: 7q34.
Variant type: single nucleotide variant.
Coding change: c.1207C>A on transcript NM_004333.6 (MANE Select); coding-DNA position 1207, C replaced by A.
Protein change: p.Pro403Thr; replaces proline 403 with threonine.
Molecular consequence: missense variant. On other transcripts: intron variant (2).
Genome position (GRCh38, 1-based): chr7:140,783,128, G>T on the plus strand (C>A on the coding strand, the complement: BRAF is on the minus strand). VCF-style: chr7-140783128-G-T. GRCh37 (hg19) VCF-style: chr7-140482928-G-T.
Other names: c.1207C>A, p.Pro403Thr (NM_001354609.2, NM_001378468.1, NM_001378474.1); c.1327C>A, p.Pro443Thr (NM_001374244.1, NM_001374258.1); c.1216C>A, p.Pro406Thr (NM_001378467.1); c.1105C>A, p.Pro369Thr (NM_001378470.1); c.1051C>A, p.Pro351Thr (NM_001378472.1, NM_001378473.1); c.943C>A, p.Pro315Thr (NM_001378475.1); c.1141-45C>A (NM_001378471.1); c.1178-37C>A (NM_001378469.1); short protein forms P406T, P315T, P351T, P403T, P369T, P443T.
Identifiers: ClinVar variation 4697213 (VCV004697213.1).
Genomic context (GRCh38, chr7:140,783,128, plus strand): 5'-GAGGTCCTGGAGATTTCTGTAAGGCTTTCACGTTAGTTAGTGAGCCAGGTAATGAGGCAG[G>T]GGGGGTAGCAGACAAACCTGTGGTTGATCCTAAATTAGTGAAAAGAAAAATGTATACATT-3'
Protein context (NP_004324.2, residues 393-413): GSTTGLSATP[Pro403Thr]ASLPGSLTNV